The following is an entry in ClinVar:

ClinVar aggregate classification (germline): Likely benign (0 of 4 stars; one submission).

Conditions:
F13A1-related disorder. Also called: F13A1-related condition.

Allele frequency attached by ClinVar (database versions not stated): ExAC 0.00015; gnomAD 0.00024; TOPMed 0.00028.
gnomAD v4.1: 110 of 468,890 alleles (0.023%); highest among the groups gnomAD compares: Non-Finnish European, 0.045%; no homozygotes.

Submission:

PreventionGenetics, part of Exact Sciences
Classification: Likely benign for F13A1-related condition. Last evaluated: 2020-01-17. Review status: no assertion criteria provided. Collection method: clinical testing. Allele origin: germline.
Comment: This variant is classified as likely benign based on ACMG/AMP sequence variant interpretation guidelines (Richards et al. 2015 PMID: 25741868, with internal and published modifications).

NM_000129.4(F13A1):c.-25C>G

Gene: F13A1 (coagulation factor XIII A chain; minus strand). Cytogenetic location: 6p25.1.
Variant type: single nucleotide variant.
Coding change: c.-25C>G on transcript NM_000129.4 (MANE Select); 25 bases upstream of the start codon, C replaced by G.
Molecular consequence: 5 prime UTR variant.
Genome position (GRCh38, 1-based): chr6:6,320,593, G>C on the plus strand (C>G on the coding strand, the complement: F13A1 is on the minus strand). VCF-style: chr6-6320593-G-C. GRCh37 (hg19) VCF-style: chr6-6320826-G-C.
Identifiers: ClinVar variation 3033418 (VCV003033418.2), dbSNP rs757638656, ClinGen allele CA3624846.
Genomic context (GRCh38, chr6:6,320,593, plus strand): 5'-CAGAAGGTGGACGCAGCGGGCCCTGGCTCATAGGGTGCAGGGTCGGTGGCTTACCTGCAG[G>C]CGCTCCCCTCCAGAGGTGCCCTCGCGTGGGCTTGCTCTGTGCGCCTCGGGGACTTCCTCA-3'